The following is an entry in ClinVar:

ClinVar aggregate classification (germline): Conflicting classifications of pathogenicity. Review status: criteria provided, conflicting classifications (1 of 4 stars). 3 submissions from 3 submitters: Likely pathogenic (1); Uncertain significance (2). Last evaluated 2026-02-13.

Conditions:
MPI-congenital disorder of glycosylation. Also called: CDG Ib; PROTEIN-LOSING ENTEROPATHY-HEPATIC FIBROSIS SYNDROME; MPI DEFICIENCY; CONGENITAL DISORDER OF GLYCOSYLATION, TYPE Ib; MANNOSEPHOSPHATE ISOMERASE DEFICIENCY; MPI-CDG. Identifiers: Orphanet 79319, MedGen C1865145, MONDO:0011257, OMIM 602579.

Submissions (3):

OLLIN Analises Genomicas, OLLIN
Classification: Uncertain significance for MPI-congenital disorder of glycosylation. Last evaluated: 2026-02-13. Review status: criteria provided, single submitter. Criteria: ACMG Guidelines 2015 PMID 25741868. Collection method: clinical testing. Allele origin: germline. Observed: 1 variant allele.
Comment: PM2_P, PM3, PP3_M

Mendelics
Classification: Uncertain significance for MPI-congenital disorder of glycosylation. Last evaluated: 2022-02-25. Review status: criteria provided, single submitter. Criteria: Mendelics Assertion Criteria 2017. Collection method: clinical testing. Allele origin: unknown.

Laboratorio de Genetica e Diagnostico Molecular, Hospital Israelita Albert Einstein
Classification: Likely pathogenic for MPI-congenital disorder of glycosylation. Last evaluated: 2021-03-03. Review status: criteria provided, single submitter. Criteria: ACMG Guidelines, 2015. Collection method: clinical testing. Allele origin: germline. Affected: yes.
Comment: ACMG classification criteria: PS4 supporting, PM2 moderate, PM3 moderate, PP3 supporting

NM_002435.3(MPI):c.796G>A (p.Glu266Lys)

Gene: MPI (mannose phosphate isomerase; plus strand). Cytogenetic location: 15q24.1.
Variant type: single nucleotide variant.
Coding change: c.796G>A on transcript NM_002435.3 (MANE Select); coding-DNA position 796, G replaced by A.
Protein change: p.Glu266Lys; replaces glutamic acid 266 with lysine.
Molecular consequence: missense variant.
Genome position (GRCh38, 1-based): chr15:74,896,277, G>A. VCF-style: chr15-74896277-G-A. GRCh37 (hg19) VCF-style: chr15-75188618-G-A.
Other names: c.796G>A, p.Glu266Lys (NM_001289155.2); c.646G>A, p.Glu216Lys (NM_001289156.2); c.613G>A, p.Glu205Lys (NM_001289157.2); c.736G>A, p.Glu246Lys (NM_001330372.2); short protein forms E205K, E216K, E246K, E266K.
Identifiers: ClinVar variation 803107 (VCV000803107.5), dbSNP rs1595822583, ClinGen allele CA393176023.